The following is an entry in ClinVar:

NM_016292.3(TRAP1):c.164C>T (p.Ala55Val)

Gene: TRAP1 (TNF receptor associated protein 1; minus strand). Cytogenetic location: 16p13.3.
Variant type: single nucleotide variant.
Coding change: c.164C>T on transcript NM_016292.3 (MANE Select); coding-DNA position 164, C replaced by T.
Protein change: p.Ala55Val; replaces alanine 55 with valine.
Molecular consequence: missense variant. On other transcripts: intron variant (1).
Genome position (GRCh38, 1-based): chr16:3,690,910, G>A on the plus strand (C>T on the coding strand, the complement: TRAP1 is on the minus strand). VCF-style: chr16-3690910-G-A. GRCh37 (hg19) VCF-style: chr16-3740911-G-A.
Other names: c.89-1773C>T (NM_001272049.2); short protein forms A55V.
Identifiers: ClinVar variation 2195882 (VCV002195882.4), dbSNP rs369750060, ClinGen allele CA7868838.
Genomic context (GRCh38, chr16:3,690,910, plus strand): 5'-ATAATCGAGTGCAGGGGTTCCTCCTTGTCCTCGGCGGTCTGCGTGCTGAACAGTCGTCCT[G>A]CCTGCAAGCTCCAGGCTGGGTTTCGCCTGGGGCCCAACTGGGCTGTGGTCCTCCGAGGAC-3'
Protein context (NP_057376.2, residues 45-65): PRRNPAWSLQ[Ala55Val]GRLFSTQTAE

ClinVar aggregate classification (germline): Uncertain significance (1 of 4 stars; one submission).

Allele frequency attached by ClinVar (database versions not stated): ExAC 0.00005; gnomAD 0.00007; ESP Exome Variant Server 0.00008; TOPMed 0.00008; gnomAD exomes 0.00022.
gnomAD v4.1: 312 of 1,592,716 alleles (0.02%); highest among the groups gnomAD compares: Non-Finnish European, 0.026%; no homozygotes.

Submission:

Labcorp Genetics (formerly Invitae), Labcorp
Classification: Uncertain significance. Last evaluated: 2023-06-15. Review status: criteria provided, single submitter. Criteria: Invitae Variant Classification Sherloc (09022015). Collection method: clinical testing. Allele origin: germline.
Comment: This sequence change replaces alanine, which is neutral and non-polar, with valine, which is neutral and non-polar, at codon 55 of the TRAP1 protein (p.Ala55Val). The frequency data for this variant in the population databases is considered unreliable, as metrics indicate poor data quality at this position in the gnomAD database. This variant has not been reported in the literature in individuals affected with TRAP1-related conditions. ClinVar contains an entry for this variant (Variation ID: 2195882). Algorithms developed to predict the effect of missense changes on protein structure and function output the following: SIFT: "Not Available"; PolyPhen-2: "Benign"; Align-GVGD: "Not Available". The valine amino acid residue is found in multiple mammalian species, which suggests that this missense change does not adversely affect protein function. Algorithms developed to predict the effect of sequence changes on RNA splicing suggest that this variant may disrupt the consensus splice site. In summary, the available evidence is currently insufficient to determine the role of this variant in disease. Therefore, it has been classified as a Variant of Uncertain Significance.